The following is an entry in ClinVar:

ClinVar aggregate classification (germline): Benign/Likely benign. Review status: criteria provided, multiple submitters, no conflicts (2 of 4 stars). 4 submissions from 4 submitters: Benign (2); Likely benign (2). Last evaluated 2026-09-25.

Conditions:
ARHGEF18-related disorder. Also called: ARHGEF18-related condition.

Allele frequency attached by ClinVar (database versions not stated): gnomAD exomes 0.00019 and 0.00054; ExAC 0.00078; ESP Exome Variant Server 0.00213; gnomAD 0.00220 and 0.00233; TOPMed 0.00249; 1000 Genomes Project 30x 0.00281; 1000 Genomes Project 0.00319.
gnomAD v4.1: 616 of 1,539,134 alleles (0.04%); highest among the groups gnomAD compares: African/African-American, 0.76%; 3 homozygotes.

Submissions (4):

PreventionGenetics, part of Exact Sciences
Classification: Likely benign for ARHGEF18-related condition. Last evaluated: 2026-09-25. Review status: criteria provided, single submitter. Criteria: ACMG Guidelines, 2015. Collection method: clinical testing. Allele origin: germline.
Comment: This variant is classified as likely benign based on ACMG/AMP sequence variant interpretation guidelines (Richards et al. 2015 PMID: 25741868, with internal and published modifications).

Labcorp Genetics (formerly Invitae), Labcorp
Classification: Benign. Last evaluated: 2025-12-24. Review status: criteria provided, single submitter. Criteria: Invitae Variant Classification Sherloc (09022015). Collection method: clinical testing. Allele origin: germline.

Blueprint Genetics
Classification: Likely benign. Last evaluated: 2024-08-28. Review status: criteria provided, single submitter. Criteria: ACMG Guidelines, 2015. Collection method: clinical testing. Allele origin: germline.

Breakthrough Genomics
Classification: Benign. Review status: criteria provided, single submitter. Criteria: ACMG Guidelines, 2015. Collection method: not provided. Allele origin: germline. Inheritance: Autosomal recessive inheritance. Affected: yes.

NM_001367823.1(ARHGEF18):c.3118C>A (p.Gln1040Lys)

Gene: ARHGEF18 (Rho/Rac guanine nucleotide exchange factor 18; plus strand). Cytogenetic location: 19p13.2.
Variant type: single nucleotide variant.
Coding change: c.3118C>A on transcript NM_001367823.1 (MANE Select); coding-DNA position 3118, C replaced by A.
Protein change: p.Gln1040Lys; replaces glutamine 1040 with lysine.
Molecular consequence: missense variant.
Genome position (GRCh38, 1-based): chr19:7,467,322, C>A. VCF-style: chr19-7467322-C-A. GRCh37 (hg19) VCF-style: chr19-7532208-C-A.
Other names: c.2392C>A, p.Gln798Lys (NM_001130955.2); c.2080C>A, p.Gln694Lys (NM_001367824.1, NM_015318.4); c.2554C>A (NM_001130955.1); short protein forms Q1040K, Q694K, Q798K.
Identifiers: ClinVar variation 1164557 (VCV001164557.12), dbSNP rs201860068, ClinGen allele CA9137117.